The following is an entry in ClinVar:

ClinVar aggregate classification (germline): Uncertain significance (1 of 4 stars; one submission).

Conditions:
RASopathy. Also called: rasopathies; Noonan spectrum disorder. Identifiers: Orphanet 536391, MedGen C5555857, MONDO:0021060.

Allele frequency attached by ClinVar (database versions not stated): gnomAD exomes below 0.00001.
gnomAD v4.1: 4 of 1,614,110 alleles (0.00025%); highest among the groups gnomAD compares: Non-Finnish European, 0.00034%; no homozygotes.

Submission:

Labcorp Genetics (formerly Invitae), Labcorp
Classification: Uncertain significance for RASopathy. Last evaluated: 2022-05-05. Review status: criteria provided, single submitter. Criteria: Invitae Variant Classification Sherloc (09022015). Collection method: clinical testing. Allele origin: germline.
Comment: In summary, the available evidence is currently insufficient to determine the role of this variant in disease. Therefore, it has been classified as a Variant of Uncertain Significance. Advanced modeling of protein sequence and biophysical properties (such as structural, functional, and spatial information, amino acid conservation, physicochemical variation, residue mobility, and thermodynamic stability) performed at Invitae indicates that this missense variant is not expected to disrupt CBL protein function. This variant has not been reported in the literature in individuals affected with CBL-related conditions. This variant is not present in population databases (gnomAD no frequency). This sequence change replaces proline, which is neutral and non-polar, with leucine, which is neutral and non-polar, at codon 481 of the CBL protein (p.Pro481Leu).

NM_005188.4(CBL):c.1442C>T (p.Pro481Leu)

Gene: CBL (Cbl proto-oncogene; plus strand). Cytogenetic location: 11q23.3.
Variant type: single nucleotide variant.
Coding change: c.1442C>T on transcript NM_005188.4 (MANE Select); coding-DNA position 1442, C replaced by T.
Protein change: p.Pro481Leu; replaces proline 481 with leucine.
Molecular consequence: missense variant.
Genome position (GRCh38, 1-based): chr11:119,284,979, C>T. VCF-style: chr11-119284979-C-T. GRCh37 (hg19) VCF-style: chr11-119155689-C-T.
Other names: short protein forms P481L.
Identifiers: ClinVar variation 1896091 (VCV001896091.5), dbSNP rs2135309937, ClinGen allele CA382917702.
Genomic context (GRCh38, chr11:119,284,979, plus strand): 5'-TGCCATTTCCCCAAACGAAAGTAATCTGTTAAATTTTTTATGTACCCTAGGTGGAACGGC[C>T]GCCTTCTCCATTCTCCATGGCCCCACAAGCTTCCCTTCCCCCGGTGCCACCACGACTTGA-3'
Protein context (NP_005179.2, residues 471-491): KELAGAKVER[Pro481Leu]PSPFSMAPQA